The following is an entry in ClinVar:

ClinVar aggregate classification (germline): Uncertain significance. Review status: criteria provided, multiple submitters, no conflicts (2 of 4 stars). 3 submissions from 3 submitters: Uncertain significance (3). Last evaluated 2022-06-07.

Conditions:
Inborn genetic diseases. Identifiers: MedGen C0950123, MeSH D030342.
Charcot-Marie-Tooth disease type 4. Also called: Charcot-Marie-Tooth, Type 4; Charcot-Marie-Tooth disease, type IV. Identifiers: Orphanet 64749, MedGen C4082197, MONDO:0018995.

Allele frequency attached by ClinVar (database versions not stated): gnomAD exomes 0.00002; gnomAD 0.00007; ESP Exome Variant Server 0.00008; ExAC 0.00002; TOPMed 0.00011.
gnomAD v4.1: 15 of 1,614,068 alleles (0.00093%); highest among the groups gnomAD compares: African/African-American, 0.02%; no homozygotes.

Submissions (3):

Ambry Genetics
Classification: Uncertain significance for Inborn genetic diseases. Last evaluated: 2022-06-07. Review status: criteria provided, single submitter. Criteria: Ambry Variant Classification Scheme 2023. Collection method: clinical testing. Allele origin: germline.
Comment: The p.Y1137C variant (also known as c.3410A>G), located in coding exon 26 of the SBF2 gene, results from an A to G substitution at nucleotide position 3410. The tyrosine at codon 1137 is replaced by cysteine, an amino acid with highly dissimilar properties. This amino acid position is conserved. In addition, this alteration is predicted to be tolerated by in silico analysis. Since supporting evidence is limited at this time, the clinical significance of this alteration remains unclear.

Labcorp Genetics (formerly Invitae), Labcorp
Classification: Uncertain significance for Charcot-Marie-Tooth disease type 4. Last evaluated: 2021-10-11. Review status: criteria provided, single submitter. Criteria: Invitae Variant Classification Sherloc (09022015). Collection method: clinical testing. Allele origin: germline.
Comment: This sequence change replaces tyrosine with cysteine at codon 1137 of the SBF2 protein (p.Tyr1137Cys). The tyrosine residue is moderately conserved and there is a large physicochemical difference between tyrosine and cysteine. This variant is present in population databases (rs370742916, ExAC 0.03%). This variant has not been reported in the literature in individuals affected with SBF2-related conditions. ClinVar contains an entry for this variant (Variation ID: 596951). Algorithms developed to predict the effect of missense changes on protein structure and function (SIFT, PolyPhen-2, Align-GVGD) all suggest that this variant is likely to be tolerated. In summary, the available evidence is currently insufficient to determine the role of this variant in disease. Therefore, it has been classified as a Variant of Uncertain Significance.

Eurofins Ntd Llc (ga)
Classification: Uncertain significance. Last evaluated: 2018-05-01. Review status: criteria provided, single submitter. Criteria: EGL ClinVar v180209 classification definitions. Collection method: clinical testing. Allele origin: germline. Observed: 1 variant allele, 1 heterozygote.

NM_030962.4(SBF2):c.3410A>G (p.Tyr1137Cys)

Genes: SBF2 (SET binding factor 2; minus strand), LOC101928008 (uncharacterized LOC101928008; plus strand). Cytogenetic location: 11p15.4.
Variant type: single nucleotide variant.
Coding change: c.3410A>G on transcript NM_030962.4 (MANE Select); coding-DNA position 3410, A replaced by G.
Protein change: p.Tyr1137Cys; replaces tyrosine 1137 with cysteine.
Molecular consequence: missense variant.
Genome position (GRCh38, 1-based): chr11:9,839,543, T>C on the plus strand (A>G on the coding strand, the complement: SBF2 is on the minus strand). VCF-style: chr11-9839543-T-C. GRCh37 (hg19) VCF-style: chr11-9861090-T-C.
Other names: c.3410A>G, p.Tyr1137Cys (NM_001386339.1); c.3281A>G, p.Tyr1094Cys (NM_001386342.1); short protein forms Y1137C, Y1094C.
Identifiers: ClinVar variation 596951 (VCV000596951.9), dbSNP rs370742916, ClinGen allele CA5881288.
Genomic context (GRCh38, chr11:9,839,543, plus strand): 5'-CACTGACACACTTACCTCCGGCAGAGTGAATACATCCTGTTGGAGGCAGTAATTCTAAAA[T>C]ACTCGGGTCTTGAACGGGAAGAGCTGCCACTTATGGTTCCTAAACCTAAACGCTGATAGT-3'
Protein context (NP_112224.1, residues 1127-1147): SGSSSRSRPE[Tyr1137Cys]FRITASNRMY